The following is an entry in ClinVar:

NM_058195.4(CDKN2A):c.160C>A (p.Arg54Ser)

Gene: CDKN2A (cyclin dependent kinase inhibitor 2A; minus strand). Cytogenetic location: 9p21.3.
Variant type: single nucleotide variant.
Coding change: c.160C>A on transcript NM_058195.4 (MANE Plus Clinical); coding-DNA position 160, C replaced by A.
Protein change: p.Arg54Ser; replaces arginine 54 with serine.
Molecular consequence: missense variant. On other transcripts: intron variant (1).
Genome position (GRCh38, 1-based): chr9:21,994,172, G>T on the plus strand (C>A on the coding strand, the complement: CDKN2A is on the minus strand). VCF-style: chr9-21994172-G-T. GRCh37 (hg19) VCF-style: chr9-21994171-G-T.
Other names: c.-4+649C>A (NM_001363763.2); short protein forms R54S.
Identifiers: ClinVar variation 487012 (VCV000487012.17), dbSNP rs896054565, ClinGen allele CA190745865.

ClinVar aggregate classification (germline): Uncertain significance. Review status: criteria provided, multiple submitters, no conflicts (2 of 4 stars). 6 submissions from 6 submitters: Uncertain significance (5). 1 of the submissions does not count toward it. Last evaluated 2025-05-13.

Conditions:
Familial melanoma. Also called: Hereditary melanoma; Hereditary cutaneous melanoma. Identifiers: Orphanet 618, MedGen C1512419, MONDO:0018961.
Hereditary cancer-predisposing syndrome. Also called: Neoplastic Syndromes, Hereditary; Hereditary Cancer Syndrome; Tumor predisposition; Hereditary neoplastic syndrome. Identifiers: Orphanet 140162, MedGen C0027672, MeSH D009386, MONDO:0015356.
CDKN2A-related disorder. Also called: CDKN2A-related condition.
Melanoma and neural system tumor syndrome. Also called: MELANOMA-ASTROCYTOMA SYNDROME. Identifiers: Orphanet 252206, MedGen C1835042, MONDO:0007967, OMIM 155755.
Melanoma, cutaneous malignant, susceptibility to, 2 (CMM2). Also called: Cutaneous malignant melanoma 2; CDKN2A-Related Cutaneous Malignant Melanoma. Identifiers: Orphanet 618, MedGen C1835044, MONDO:0007964, OMIM 155601.

Allele frequency attached by ClinVar (database versions not stated): TOPMed 0.00002; gnomAD 0.00006.

Submissions (6):

Ambry Genetics
Classification: Uncertain significance for Hereditary cancer-predisposing syndrome. Last evaluated: 2025-05-13. Review status: criteria provided, single submitter. Criteria: Ambry Variant Classification Scheme 2023. Collection method: clinical testing. Allele origin: germline.
Comment: The p.R54S variant (also known as c.160C>A), located in coding exon 1 of the CDKN2A gene, results from a C to A substitution at nucleotide position 160. The arginine at codon 54 is replaced by serine, an amino acid with dissimilar properties. This amino acid position is well conserved in available vertebrate species. In addition, the in silico prediction for this alteration is inconclusive. Based on the available evidence, the clinical significance of this variant remains unclear.

GeneDx
Classification: Uncertain significance. Last evaluated: 2024-08-28. Review status: criteria provided, single submitter. Criteria: GeneDx Variant Classification Process June 2021. Collection method: clinical testing. Allele origin: germline. Affected: yes.
Comment: In silico analysis supports that this missense variant has a deleterious effect on protein structure/function; Reported using an alternate transcript of the gene; This variant is associated with the following publications: (PMID: 37529773, 9653180, 9529249, 16173922, 35264596)

Baylor Genetics
Classification: Uncertain significance for Melanoma and neural system tumor syndrome. Last evaluated: 2024-01-31. Review status: criteria provided, single submitter. Criteria: ACMG Guidelines, 2015. Collection method: clinical testing. Allele origin: unknown.

Labcorp Genetics (formerly Invitae), Labcorp
Classification: Uncertain significance for Familial melanoma. Last evaluated: 2021-09-07. Review status: criteria provided, single submitter. Criteria: Invitae Variant Classification Sherloc (09022015). Collection method: clinical testing. Allele origin: germline.
Comment: This sequence change replaces arginine with serine at codon 54 of the CDKN2A (p14ARF) protein (p.Arg54Ser). The arginine residue is highly conserved and there is a moderate physicochemical difference between arginine and serine. This variant is not present in population databases (ExAC no frequency). This variant has not been reported in the literature in individuals affected with CDKN2A (p14ARF)-related conditions. ClinVar contains an entry for this variant (Variation ID: 487012). Algorithms developed to predict the effect of missense changes on protein structure and function output the following: SIFT: "Deleterious"; PolyPhen-2: "Probably Damaging"; Align-GVGD: "Class C35". The serine amino acid residue is found in multiple mammalian species, which suggests that this missense change does not adversely affect protein function. In summary, the available evidence is currently insufficient to determine the role of this variant in disease. Therefore, it has been classified as a Variant of Uncertain Significance.

Mendelics
Classification: Uncertain significance for Cutaneous malignant melanoma 2. Last evaluated: 2018-07-02. Review status: criteria provided, single submitter. Criteria: Mendelics Assertion Criteria 2017. Collection method: clinical testing. Allele origin: unknown.

PreventionGenetics, part of Exact Sciences
Classification: Uncertain significance for CDKN2A-related condition. Last evaluated: 2024-08-01. Review status: no assertion criteria provided. Collection method: clinical testing. Allele origin: germline. Not counted in ClinVar's aggregate classification.
Comment: The CDKN2A c.160C>A variant is predicted to result in the amino acid substitution p.Arg54Ser. This variant was reported as a variant of uncertain significance in an individual with pheochromocytoma and paragangliomas (Supplementary Table 1. Lima et al. 2023. PubMed ID: 37529773). The variant is also reported as c.-19345C>A, which is predicted to result in a pre-coding effect (NM_0000177.4). This variant is reported in 0.011% of alleles in individuals of African descent in gnomAD and is classified as a variant of uncertain significance in ClinVar. At this time, the clinical significance of this variant is uncertain due to the absence of conclusive functional and genetic evidence.